The following is an entry in ClinVar:

ClinVar aggregate classification (germline): Uncertain significance (1 of 4 stars; one submission).

Conditions:
Diffuse cerebral and cerebellar atrophy - intractable seizures - progressive microcephaly syndrome. Also called: Microcephaly, progressive, with seizures and cerebral and cerebellar atrophy. Identifiers: Orphanet 404437, MedGen C4014239, MONDO:0014335, OMIM 615760.

Submission:

Labcorp Genetics (formerly Invitae), Labcorp
Classification: Uncertain significance for Diffuse cerebral and cerebellar atrophy - intractable seizures - progressive microcephaly syndrome. Last evaluated: 2022-03-19. Review status: criteria provided, single submitter. Criteria: Invitae Variant Classification Sherloc (09022015). Collection method: clinical testing. Allele origin: germline.
Comment: In summary, the available evidence is currently insufficient to determine the role of this variant in disease. Therefore, it has been classified as a Variant of Uncertain Significance. Algorithms developed to predict the effect of sequence changes on RNA splicing suggest that this variant may create or strengthen a splice site. Algorithms developed to predict the effect of missense changes on protein structure and function are either unavailable or do not agree on the potential impact of this missense change (SIFT: "Tolerated"; PolyPhen-2: "Probably Damaging"; Align-GVGD: "Class C0"). This variant has not been reported in the literature in individuals affected with QARS-related conditions. This variant is not present in population databases (gnomAD no frequency). This sequence change replaces tyrosine, which is neutral and polar, with phenylalanine, which is neutral and non-polar, at codon 356 of the QARS protein (p.Tyr356Phe).

NM_005051.3(QARS1):c.1067A>T (p.Tyr356Phe)

Gene: QARS1 (glutaminyl-tRNA synthetase 1; minus strand). Cytogenetic location: 3p21.31.
Variant type: single nucleotide variant.
Coding change: c.1067A>T on transcript NM_005051.3 (MANE Select); coding-DNA position 1067, A replaced by T.
Protein change: p.Tyr356Phe; replaces tyrosine 356 with phenylalanine.
Molecular consequence: missense variant. On other transcripts: non-coding transcript variant (1).
Genome position (GRCh38, 1-based): chr3:49,100,287, T>A on the plus strand (A>T on the coding strand, the complement: QARS1 is on the minus strand). VCF-style: chr3-49100287-T-A. GRCh37 (hg19) VCF-style: chr3-49137720-T-A.
Other names: c.1034A>T, p.Tyr345Phe (NM_001272073.2); short protein forms Y345F, Y356F.
Identifiers: ClinVar variation 1348676 (VCV001348676.8), dbSNP rs2107103019, ClinGen allele CA352710773.